The following is an entry in ClinVar:

NM_017617.5(NOTCH1):c.7138G>A (p.Val2380Met)

Gene: NOTCH1 (notch receptor 1; minus strand). Cytogenetic location: 9q34.3.
Variant type: single nucleotide variant.
Coding change: c.7138G>A on transcript NM_017617.5 (MANE Select); coding-DNA position 7138, G replaced by A.
Protein change: p.Val2380Met; replaces valine 2380 with methionine.
Molecular consequence: missense variant.
Genome position (GRCh38, 1-based): chr9:136,496,601, C>T on the plus strand (G>A on the coding strand, the complement: NOTCH1 is on the minus strand). VCF-style: chr9-136496601-C-T. GRCh37 (hg19) VCF-style: chr9-139391053-C-T.
Other names: c.7138G>A, p.Val2380Met (LRG_1122t1); c.7138G>A (NM_017617.4); short protein forms V2380M.
Identifiers: ClinVar variation 498543 (VCV000498543.23), dbSNP rs769693988, ClinGen allele CA5339744.

ClinVar aggregate classification (germline): Conflicting classifications of pathogenicity. Review status: criteria provided, conflicting classifications (1 of 4 stars). 8 submissions from 7 submitters: Uncertain significance (7); Benign (1). Last evaluated 2025-12-09.

Conditions:
Adams-Oliver syndrome 5 (AOS5). Identifiers: Orphanet 974, MedGen C4014970, MONDO:0014459, OMIM 616028.
Aortic valve disease 1 (AOVD1). Identifiers: MedGen C3887892, MONDO:0024523, OMIM 109730.
Familial thoracic aortic aneurysm and aortic dissection (TAAD). Also called: Thoracic aortic aneurysms and dissections. Identifiers: Orphanet 91387, MedGen C4707243, MONDO:0019625.

Allele frequency attached by ClinVar (database versions not stated): gnomAD 0.00001; ExAC 0.00002; gnomAD exomes 0.00002 and 0.00005; TOPMed 0.00002.
gnomAD v4.1: 69 of 1,612,864 alleles (0.0043%); highest among the groups gnomAD compares: Non-Finnish European, 0.0057%; no homozygotes.

Submissions (8):

GeneDx
Classification: Uncertain significance. Last evaluated: 2025-12-09. Review status: criteria provided, single submitter. Criteria: GeneDx Variant Classification Process June 2021. Collection method: clinical testing. Allele origin: germline. Affected: yes.
Comment: Has not been previously published as pathogenic or benign to our knowledge; Not observed at significant frequency in large population cohorts (gnomAD); In silico analysis suggests that this missense variant does not alter protein structure/function

Ambry Genetics
Classification: Uncertain significance for Familial thoracic aortic aneurysm and aortic dissection. Last evaluated: 2024-09-26. Review status: criteria provided, single submitter. Criteria: Ambry Variant Classification Scheme 2023. Collection method: clinical testing. Allele origin: germline.

Labcorp Genetics (formerly Invitae), Labcorp
Classification: Benign for Adams-Oliver syndrome 5. Last evaluated: 2024-01-03. Review status: criteria provided, single submitter. Criteria: Invitae Variant Classification Sherloc (09022015). Collection method: clinical testing. Allele origin: germline.

Blueprint Genetics
Classification: Uncertain significance. Last evaluated: 2023-12-27. Review status: criteria provided, single submitter. Criteria: ACMG Guidelines, 2015. Collection method: clinical testing. Allele origin: germline.

Women's Health and Genetics/Laboratory Corporation of America, LabCorp
Classification: Uncertain significance. Last evaluated: 2023-08-22. Review status: criteria provided, single submitter. Criteria: LabCorp Variant Classification Summary - May 2015. Collection method: clinical testing. Allele origin: germline.
Comment: Variant summary: NOTCH1 c.7138G>A (p.Val2380Met) results in a conservative amino acid change in the encoded protein sequence. Five of five in-silico tools predict a benign effect of the variant on protein function. The variant allele was found at a frequency of 2e-05 in 247728 control chromosomes (gnomAD). The available data on variant occurrences in the general population are insufficient to allow any conclusion about variant significance. To our knowledge, no occurrence of c.7138G>A in individuals affected with Adams-Oliver Syndrome 5 and no experimental evidence demonstrating its impact on protein function have been reported. Five ClinVar submitters have assessed the variant since 2014: four classified the variant as uncertain significance and one as benign. Based on the evidence outlined above, the variant was classified as uncertain significance.

Genome-Nilou Lab
Classification: Uncertain significance for Adams-Oliver syndrome 5. Last evaluated: 2022-03-15. Review status: criteria provided, single submitter. Criteria: ACMG Guidelines, 2015. Collection method: clinical testing. Allele origin: germline. Affected: no.

Genome-Nilou Lab
Classification: Uncertain significance for Aortic valve disease 1. Last evaluated: 2022-03-15. Review status: criteria provided, single submitter. Criteria: ACMG Guidelines, 2015. Collection method: clinical testing. Allele origin: germline. Affected: no.

Eurofins Ntd Llc (ga)
Classification: Uncertain significance. Last evaluated: 2016-12-08. Review status: criteria provided, single submitter. Criteria: EGL Classification Definitions 2015. Collection method: clinical testing. Allele origin: germline. Observed: 1 variant allele, 1 heterozygote.

Literature cited by the submitters: PubMed 24943832 (cited by Women's Health and Genetics/Laboratory Corporation of America, LabCorp); PubMed 16614245 (cited by Women's Health and Genetics/Laboratory Corporation of America, LabCorp); PubMed 21670202 (cited by Women's Health and Genetics/Laboratory Corporation of America, LabCorp); PubMed 22210878 (cited by Women's Health and Genetics/Laboratory Corporation of America, LabCorp); PubMed 19635999 (cited by Women's Health and Genetics/Laboratory Corporation of America, LabCorp); PubMed 26837699 (cited by Women's Health and Genetics/Laboratory Corporation of America, LabCorp); PubMed 23086750 (cited by Women's Health and Genetics/Laboratory Corporation of America, LabCorp); PubMed 19245433 (cited by Women's Health and Genetics/Laboratory Corporation of America, LabCorp); PubMed 22077063 (cited by Women's Health and Genetics/Laboratory Corporation of America, LabCorp); PubMed 15472075 (cited by Women's Health and Genetics/Laboratory Corporation of America, LabCorp); PubMed 23734977 (cited by Women's Health and Genetics/Laboratory Corporation of America, LabCorp); PubMed 22858860 (cited by Women's Health and Genetics/Laboratory Corporation of America, LabCorp).